The following is an entry in ClinVar:

NM_001374353.1(GLI2):c.2162A>G (p.Lys721Arg)

Gene: GLI2 (GLI family zinc finger 2; plus strand). Cytogenetic location: 2q14.2.
Variant type: single nucleotide variant.
Coding change: c.2162A>G on transcript NM_001374353.1 (MANE Select); coding-DNA position 2162, A replaced by G.
Protein change: p.Lys721Arg; replaces lysine 721 with arginine.
Molecular consequence: missense variant.
Genome position (GRCh38, 1-based): chr2:120,986,534, A>G. VCF-style: chr2-120986534-A-G. GRCh37 (hg19) VCF-style: chr2-121744110-A-G.
Other names: c.2213A>G, p.Lys738Arg (NM_001371271.1, NM_005270.5); c.1787A>G, p.Lys596Arg (NM_001374354.1); short protein forms K596R, K738R, K721R.
Identifiers: ClinVar variation 2139566 (VCV002139566.5), dbSNP rs1278646106, ClinGen allele CA348164378.

ClinVar aggregate classification (germline): Uncertain significance. Review status: criteria provided, multiple submitters, no conflicts (2 of 4 stars). 2 submissions from 2 submitters: Uncertain significance (2). Last evaluated 2025-11-25.

Conditions:
Postaxial polydactyly-anterior pituitary anomalies-facial dysmorphism syndrome. Also called: Culler-Jones syndrome. Identifiers: Orphanet 420584, MedGen C4014479, MONDO:0014369, OMIM 615849.
Holoprosencephaly 9 (HPE9). Also called: PITUITARY ANOMALIES WITH HOLOPROSENCEPHALY-LIKE FEATURES; HOLOPROSENCEPHALY WITH MICROPHTHALMIA AND FIRST BRANCHIAL ARCH ANOMALIES. Identifiers: Orphanet 2162, MedGen C1835819, MONDO:0012563, OMIM 610829.

Allele frequency attached by ClinVar (database versions not stated): gnomAD exomes below 0.00001; gnomAD 0.00001; TOPMed 0.00002.
gnomAD v4.1: 12 of 1,614,064 alleles (0.00074%); highest among the groups gnomAD compares: Admixed American, 0.0017%; no homozygotes.

Submissions (2):

Labcorp Genetics (formerly Invitae), Labcorp
Classification: Uncertain significance for Postaxial polydactyly-anterior pituitary anomalies-facial dysmorphism syndrome; Holoprosencephaly 9. Last evaluated: 2025-11-25. Review status: criteria provided, single submitter. Criteria: Invitae Variant Classification Sherloc (09022015). Collection method: clinical testing. Allele origin: germline.
Comment: This sequence change replaces lysine, which is basic and polar, with arginine, which is basic and polar, at codon 738 of the GLI2 protein (p.Lys738Arg). This variant is present in population databases (no rsID available, gnomAD 0.002%). This variant has not been reported in the literature in individuals affected with GLI2-related conditions. ClinVar contains an entry for this variant (Variation ID: 2139566). Invitae Evidence Modeling of protein sequence and biophysical properties (such as structural, functional, and spatial information, amino acid conservation, physicochemical variation, residue mobility, and thermodynamic stability) indicates that this missense variant is not expected to disrupt GLI2 protein function with a negative predictive value of 80%. In summary, the available evidence is currently insufficient to determine the role of this variant in disease. Therefore, it has been classified as a Variant of Uncertain Significance.

Blueprint Genetics
Classification: Uncertain significance. Last evaluated: 2024-06-24. Review status: criteria provided, single submitter. Criteria: ACMG Guidelines, 2015. Collection method: clinical testing. Allele origin: germline.